The following is an entry in ClinVar:

NM_007294.4(BRCA1):c.2066G>C (p.Ser689Thr)

Gene: BRCA1 (BRCA1 DNA repair associated; minus strand). Cytogenetic location: 17q21.31.
Variant type: single nucleotide variant.
Coding change: c.2066G>C on transcript NM_007294.4 (MANE Select); coding-DNA position 2066, G replaced by C.
Protein change: p.Ser689Thr; replaces serine 689 with threonine.
Molecular consequence: missense variant. On other transcripts: intron variant (137).
Genome position (GRCh38, 1-based): chr17:43,093,465, C>G on the plus strand (G>C on the coding strand, the complement: BRCA1 is on the minus strand). VCF-style: chr17-43093465-C-G. GRCh37 (hg19) VCF-style: chr17-41245482-C-G.
Other names: c.1853G>C, p.Ser618Thr (NM_001407571.1, NM_001407853.1, NM_001407894.1 and 9 more transcripts); c.2066G>C, p.Ser689Thr (NM_001407581.1, NM_001407582.1, NM_001407583.1 and 30 more transcripts); c.2063G>C, p.Ser688Thr (NM_001407587.1, NM_001407590.1, NM_001407591.1 and 22 more transcripts); c.2057G>C, p.Ser686Thr (NM_001407646.1, NM_001407647.1); c.1943G>C, p.Ser648Thr (NM_001407648.1, NM_001407664.1, NM_001407665.1 and 19 more transcripts); c.1940G>C, p.Ser647Thr (NM_001407649.1, NM_001407670.1, NM_001407671.1 and 11 more transcripts); c.1988G>C, p.Ser663Thr (NM_001407653.1, NM_001407654.1, NM_001407655.1 and 4 more transcripts); c.1985G>C, p.Ser662Thr (NM_001407659.1, NM_001407660.1, NM_001407661.1 and 1 more transcripts); and 40 more; short protein forms S689T, S642T, S578T, S600T, S618T, S619T, S577T, S621T.
Identifiers: ClinVar variation 1492029 (VCV001492029.9), dbSNP rs779748579, ClinGen allele CA10597871.

ClinVar aggregate classification (germline): Conflicting classifications of pathogenicity. Review status: criteria provided, conflicting classifications (1 of 4 stars). 2 submissions from 2 submitters: Uncertain significance (1); Likely benign (1). Last evaluated 2023-03-23.

Conditions:
Hereditary cancer-predisposing syndrome. Also called: Tumor predisposition; Hereditary neoplastic syndrome; Neoplastic Syndromes, Hereditary; Hereditary Cancer Syndrome. Identifiers: Orphanet 140162, MedGen C0027672, MeSH D009386, MONDO:0015356.
Hereditary breast ovarian cancer syndrome. Also called: Hereditary breast and ovarian cancer; Hereditary breast and ovarian cancer syndrome; Hereditary breast and/or ovarian cancer syndrome; Hereditary breast and ovarian cancer syndrome (HBOC); Breast and ovarian cancer; BRCA1- and BRCA2-Associated Hereditary Breast and Ovarian Cancer. Identifiers: Orphanet 145, MedGen C0677776, MeSH D061325, MONDO:0003582. Disease mechanism: loss of function.

Submissions (2):

University of Washington Department of Laboratory Medicine, University of Washington
Classification: Likely benign for Hereditary cancer-predisposing syndrome. Last evaluated: 2023-03-23. Review status: criteria provided, single submitter. Criteria: Dines et al. (Genet Med. 2020). Collection method: curation. Allele origin: germline.
Comment: Missense variant in a coldspot region where missense variants are very unlikely to be pathogenic (PMID:31911673).

BRCA1 coldspot (exon 11 using historical exon numbering). Reclassification based on statistical prior probability

Labcorp Genetics (formerly Invitae), Labcorp
Classification: Uncertain significance for Hereditary breast ovarian cancer syndrome. Last evaluated: 2021-09-21. Review status: criteria provided, single submitter. Criteria: Invitae Variant Classification Sherloc (09022015). Collection method: clinical testing. Allele origin: germline.
Comment: This variant is not present in population databases (ExAC no frequency). This sequence change replaces serine with threonine at codon 689 of the BRCA1 protein (p.Ser689Thr). The serine residue is weakly conserved and there is a small physicochemical difference between serine and threonine. This variant has not been reported in the literature in individuals affected with BRCA1-related conditions. In summary, the available evidence is currently insufficient to determine the role of this variant in disease. Therefore, it has been classified as a Variant of Uncertain Significance. Advanced modeling of protein sequence and biophysical properties (such as structural, functional, and spatial information, amino acid conservation, physicochemical variation, residue mobility, and thermodynamic stability) performed at Invitae indicates that this missense variant is not expected to disrupt BRCA1 protein function.